The following is an entry in ClinVar:

NM_001134407.3(GRIN2A):c.3515T>C (p.Leu1172Ser)

Gene: GRIN2A (glutamate ionotropic receptor NMDA type subunit 2A; minus strand). Cytogenetic location: 16p13.2.
Variant type: single nucleotide variant.
Coding change: c.3515T>C on transcript NM_001134407.3 (MANE Select); coding-DNA position 3515, T replaced by C.
Protein change: p.Leu1172Ser; replaces leucine 1172 with serine.
Molecular consequence: missense variant.
Genome position (GRCh38, 1-based): chr16:9,764,029, A>G on the plus strand (T>C on the coding strand, the complement: GRIN2A is on the minus strand). VCF-style: chr16-9764029-A-G. GRCh37 (hg19) VCF-style: chr16-9857886-A-G.
Other names: c.3515T>C, p.Leu1172Ser (NM_000833.5, NM_001134408.2); short protein forms L1172S.
Identifiers: ClinVar variation 955191 (VCV000955191.14), dbSNP rs1177807348, ClinGen allele CA394707455.

ClinVar aggregate classification (germline): Uncertain significance (1 of 4 stars; one submission).

Conditions:
Landau-Kleffner syndrome (FESD). Also called: EPILEPSY, FOCAL, WITH SPEECH DISORDER AND WITH OR WITHOUT MENTAL RETARDATION; APHASIA, ACQUIRED, WITH EPILEPSY. Identifiers: Orphanet 1945, Orphanet 725, Orphanet 98818, MedGen C0282512, MONDO:0009509, OMIM 245570.

Allele frequency attached by ClinVar (database versions not stated): TOPMed 0.00002; gnomAD exomes below 0.00001 and 0.00002.
gnomAD v4.1: 17 of 1,614,064 alleles (0.0011%); highest among the groups gnomAD compares: Non-Finnish European, 0.0014%; no homozygotes.

Submission:

Labcorp Genetics (formerly Invitae), Labcorp
Classification: Uncertain significance for Landau-Kleffner syndrome. Last evaluated: 2026-01-12. Review status: criteria provided, single submitter. Criteria: Invitae Variant Classification Sherloc (09022015). Collection method: clinical testing. Allele origin: germline.
Comment: This sequence change replaces leucine, which is neutral and non-polar, with serine, which is neutral and polar, at codon 1172 of the GRIN2A protein (p.Leu1172Ser). This variant is present in population databases (no rsID available, gnomAD 0.0009%). This variant has not been reported in the literature in individuals affected with GRIN2A-related conditions. This missense change has been observed in at least one individual who was not affected with GRIN2A-related conditions (internal data). ClinVar contains an entry for this variant (Variation ID: 955191). Invitae Evidence Modeling of protein sequence and biophysical properties (such as structural, functional, and spatial information, amino acid conservation, physicochemical variation, residue mobility, and thermodynamic stability) has been performed for this missense variant. However, the output from this modeling did not meet the statistical confidence thresholds required to predict the impact of this variant on GRIN2A protein function. In summary, the available evidence is currently insufficient to determine the role of this variant in disease. Therefore, it has been classified as a Variant of Uncertain Significance.